The following is an entry in ClinVar:

NM_001170629.2(CHD8):c.6472C>A (p.Arg2158Ser)

Gene: CHD8 (chromodomain helicase DNA binding protein 8; minus strand). Cytogenetic location: 14q11.2.
Variant type: single nucleotide variant.
Coding change: c.6472C>A on transcript NM_001170629.2 (MANE Select); coding-DNA position 6472, C replaced by A.
Protein change: p.Arg2158Ser; replaces arginine 2158 with serine.
Molecular consequence: missense variant.
Genome position (GRCh38, 1-based): chr14:21,392,806, G>T on the plus strand (C>A on the coding strand, the complement: CHD8 is on the minus strand). VCF-style: chr14-21392806-G-T. GRCh37 (hg19) VCF-style: chr14-21860965-G-T.
Other names: c.5635C>A, p.Arg1879Ser (NM_020920.4); short protein forms R1879S, R2158S.
Identifiers: ClinVar variation 3360718 (VCV003360718.1).
Genomic context (GRCh38, chr14:21,392,806, plus strand): 5'-AAGGCCACTTCCCTGAGAGTACAGCCTGGCAGACGAGGTCAATACGGTTTATCAGGACAC[G>T]ATCCTGAATGGGGAAAGAAAGAAATACCATTTTAAGAGTCTGAGTACTAGCTGTGTGATC-3'
Protein context (NP_001164100.1, residues 2148-2168): RQRASEWPKD[Arg2158Ser]VLINRIDLVC

ClinVar aggregate classification (germline): Uncertain significance (1 of 4 stars; one submission).

gnomAD v4.1: 2 of 1,613,098 alleles (0.00012%); highest among the groups gnomAD compares: South Asian, 0.0022%; no homozygotes.

Submission:

GeneDx
Classification: Uncertain significance. Last evaluated: 2023-07-05. Review status: criteria provided, single submitter. Criteria: GeneDx Variant Classification Process June 2021. Collection method: clinical testing. Allele origin: germline. Affected: yes.
Comment: Not observed at significant frequency in large population cohorts (gnomAD); In silico analysis supports that this missense variant has a deleterious effect on protein structure/function; Has not been previously published as pathogenic or benign to our knowledge